The following is an entry in ClinVar:

NM_014319.5(LEMD3):c.482A>G (p.Asp161Gly)

Genes: LEMD3 (LEM domain containing 3; plus strand), LOC130008224 (ATAC-STARR-seq lymphoblastoid silent region 4630; plus strand). Cytogenetic location: 12q14.3.
Variant type: single nucleotide variant.
Coding change: c.482A>G on transcript NM_014319.5 (MANE Select); coding-DNA position 482, A replaced by G.
Protein change: p.Asp161Gly; replaces aspartic acid 161 with glycine.
Molecular consequence: missense variant.
Genome position (GRCh38, 1-based): chr12:65,170,078, A>G. VCF-style: chr12-65170078-A-G. GRCh37 (hg19) VCF-style: chr12-65563858-A-G.
Other names: c.482A>G, p.Asp161Gly (NM_001167614.2); short protein forms D161G.
Identifiers: ClinVar variation 3717777 (VCV003717777.2).

ClinVar aggregate classification (germline): Uncertain significance (1 of 4 stars; one submission).

Submission:

Labcorp Genetics (formerly Invitae), Labcorp
Classification: Uncertain significance. Last evaluated: 2024-08-12. Review status: criteria provided, single submitter. Criteria: Invitae Variant Classification Sherloc (09022015). Collection method: clinical testing. Allele origin: germline.
Comment: This sequence change replaces aspartic acid, which is acidic and polar, with glycine, which is neutral and non-polar, at codon 161 of the LEMD3 protein (p.Asp161Gly). This variant is not present in population databases (gnomAD no frequency). This variant has not been reported in the literature in individuals affected with LEMD3-related conditions. Advanced modeling of protein sequence and biophysical properties (such as structural, functional, and spatial information, amino acid conservation, physicochemical variation, residue mobility, and thermodynamic stability) performed at Invitae indicates that this missense variant is not expected to disrupt LEMD3 protein function with a negative predictive value of 80%. In summary, the available evidence is currently insufficient to determine the role of this variant in disease. Therefore, it has been classified as a Variant of Uncertain Significance.